The following is an entry in ClinVar:

NM_022051.3(EGLN1):c.773G>A (p.Trp258Ter)

Gene: EGLN1 (egl-9 family hypoxia inducible factor 1; minus strand). Cytogenetic location: 1q42.2.
Variant type: single nucleotide variant.
Coding change: c.773G>A on transcript NM_022051.3 (MANE Select); coding-DNA position 773, G replaced by A.
Protein change: p.Trp258Ter; replaces tryptophan 258 with a stop codon.
Molecular consequence: nonsense.
Genome position (GRCh38, 1-based): chr1:231,421,116, C>T on the plus strand (G>A on the coding strand, the complement: EGLN1 is on the minus strand). VCF-style: chr1-231421116-C-T. GRCh37 (hg19) VCF-style: chr1-231556862-C-T.
Other names: c.773G>A, p.Trp258Ter (NM_001377260.1, NM_001377261.1); short protein forms W258*.
Identifiers: ClinVar variation 3608822 (VCV003608822.2).

ClinVar aggregate classification (germline): Pathogenic (1 of 4 stars; one submission).

Conditions:
Erythrocytosis, familial, 3 (ECYT3). Identifiers: Orphanet 247511, MedGen C1853286, MONDO:0012353, OMIM 609820.

Submission:

Labcorp Genetics (formerly Invitae), Labcorp
Classification: Pathogenic for Erythrocytosis, familial, 3. Last evaluated: 2025-01-07. Review status: criteria provided, single submitter. Criteria: Invitae Variant Classification Sherloc (09022015). Collection method: clinical testing. Allele origin: germline.
Comment: This sequence change creates a premature translational stop signal (p.Trp258*) in the EGLN1 gene. It is expected to result in an absent or disrupted protein product. Loss-of-function variants in EGLN1 are known to be pathogenic (PMID: 17933562, 21933857). This variant is not present in population databases (gnomAD no frequency). This variant has not been reported in the literature in individuals affected with EGLN1-related conditions. For these reasons, this variant has been classified as Pathogenic.

Literature cited by the submitters: PubMed 17933562; PubMed 21933857.